The following is an entry in ClinVar:

ClinVar aggregate classification (germline): Likely benign (1 of 4 stars; one submission).

Allele frequency attached by ClinVar (database versions not stated): gnomAD exomes below 0.00001; TOPMed below 0.00001; gnomAD 0.00001.
gnomAD v4.1: 7 of 1,209,883 alleles (0.00058%); highest among the groups gnomAD compares: Middle Eastern, 0.046%; no homozygotes.

Submission:

CeGaT Center for Human Genetics Tuebingen
Classification: Likely benign. Last evaluated: 2022-03-01. Review status: criteria provided, single submitter. Criteria: CeGaT Center For Human Genetics Tuebingen Variant Classification Criteria Version 2. Collection method: clinical testing. Allele origin: germline. Affected: yes. Observed: 1 variant allele.
Comment: NHS: BP4, BP7

NM_001291867.2(NHS):c.961A>C (p.Arg321=)

Gene: NHS (NHS actin remodeling regulator; plus strand). Cytogenetic location: Xp22.13.
Variant type: single nucleotide variant.
Coding change: c.961A>C on transcript NM_001291867.2 (MANE Select); coding-DNA position 961, A replaced by C.
Protein change: p.Arg321=; no amino-acid change (arginine 321 retained).
Molecular consequence: synonymous variant.
Genome position (GRCh38, 1-based): chrX:17,721,486, A>C. VCF-style: chrX-17721486-A-C. GRCh37 (hg19) VCF-style: chrX-17739606-A-C.
Other names: c.430A>C, p.Arg144= (NM_001136024.4); c.367A>C, p.Arg123= (NM_001291868.2); c.898A>C, p.Arg300= (NM_198270.4).
Identifiers: ClinVar variation 2660080 (VCV002660080.24), dbSNP rs1025399059, ClinGen allele CA326965521.